The following is an entry in ClinVar:

NM_198578.4(LRRK2):c.3443T>C (p.Phe1148Ser)

Gene: LRRK2 (leucine rich repeat kinase 2; plus strand). Cytogenetic location: 12q12.
Variant type: single nucleotide variant.
Coding change: c.3443T>C on transcript NM_198578.4 (MANE Select); coding-DNA position 3443, T replaced by C.
Protein change: p.Phe1148Ser; replaces phenylalanine 1148 with serine.
Molecular consequence: missense variant.
Genome position (GRCh38, 1-based): chr12:40,299,204, T>C. VCF-style: chr12-40299204-T-C. GRCh37 (hg19) VCF-style: chr12-40693006-T-C.
Other names: short protein forms F1148S.
Identifiers: ClinVar variation 1515850 (VCV001515850.9), dbSNP rs774993871, ClinGen allele CA6513901.
Genomic context (GRCh38, chr12:40,299,204, plus strand): 5'-TGAAGGAACTGAAGATTTTAAACCTTAGTAAGAACCACATTTCATCCCTATCAGAGAACT[T>C]TCTTGAGGCTTGTCCTAAAGTGGAGAGTTTCAGTGCCAGAATGAATTTTCTTGGTAAGTG-3'
Protein context (NP_940980.4, residues 1138-1158): KNHISSLSEN[Phe1148Ser]LEACPKVESF

ClinVar aggregate classification (germline): Uncertain significance. Review status: criteria provided, multiple submitters, no conflicts (2 of 4 stars). 3 submissions from 3 submitters: Uncertain significance (3). Last evaluated 2025-05-28.

Conditions:
Autosomal dominant Parkinson disease 8. Also called: LRRK2-Related Parkinson Disease; Parkinson disease 8; Parkinson disease 8, susceptibility to. Identifiers: Orphanet 411602, MedGen C1846862, MONDO:0011764, OMIM 607060.
Inborn genetic diseases. Identifiers: MedGen C0950123, MeSH D030342.

Allele frequency attached by ClinVar (database versions not stated): gnomAD exomes below 0.00001; ExAC 0.00001.
gnomAD v4.1: 5 of 1,613,690 alleles (0.00031%); highest among the groups gnomAD compares: Non-Finnish European, 0.00042%; no homozygotes.

Submissions (3):

Labcorp Genetics (formerly Invitae), Labcorp
Classification: Uncertain significance for Autosomal dominant Parkinson disease 8. Last evaluated: 2025-05-28. Review status: criteria provided, single submitter. Criteria: Invitae Variant Classification Sherloc (09022015). Collection method: clinical testing. Allele origin: germline.
Comment: This sequence change replaces phenylalanine, which is neutral and non-polar, with serine, which is neutral and polar, at codon 1148 of the LRRK2 protein (p.Phe1148Ser). This variant is present in population databases (rs774993871, gnomAD 0.0009%). This variant has not been reported in the literature in individuals affected with LRRK2-related conditions. ClinVar contains an entry for this variant (Variation ID: 1515850). Invitae Evidence Modeling of protein sequence and biophysical properties (such as structural, functional, and spatial information, amino acid conservation, physicochemical variation, residue mobility, and thermodynamic stability) has been performed for this missense variant. However, the output from this modeling did not meet the statistical confidence thresholds required to predict the impact of this variant on LRRK2 protein function. In summary, the available evidence is currently insufficient to determine the role of this variant in disease. Therefore, it has been classified as a Variant of Uncertain Significance.

GeneDx
Classification: Uncertain significance. Last evaluated: 2024-10-09. Review status: criteria provided, single submitter. Criteria: GeneDx Variant Classification Process June 2021. Collection method: clinical testing. Allele origin: germline. Affected: yes.
Comment: Not observed at significant frequency in large population cohorts (gnomAD); In silico analysis supports that this missense variant has a deleterious effect on protein structure/function; Has not been previously published as pathogenic or benign to our knowledge

Ambry Genetics
Classification: Uncertain significance for Inborn genetic diseases. Last evaluated: 2023-11-23. Review status: criteria provided, single submitter. Criteria: Ambry Variant Classification Scheme 2023. Collection method: clinical testing. Allele origin: germline.
Comment: The p.F1148S variant (also known as c.3443T>C), located in coding exon 25 of the LRRK2 gene, results from a T to C substitution at nucleotide position 3443. The phenylalanine at codon 1148 is replaced by serine, an amino acid with highly dissimilar properties. This amino acid position is conserved. In addition, this alteration is predicted to be tolerated by in silico analysis. Since supporting evidence is limited at this time, the clinical significance of this alteration remains unclear.